The following is an entry in ClinVar:

ClinVar aggregate classification (germline): Uncertain significance (1 of 4 stars; one submission).

Conditions:
Vici syndrome (VICIS). Identifiers: Orphanet 1493, MedGen C1855772, MONDO:0009452, OMIM 242840.

Allele frequency attached by ClinVar (database versions not stated): gnomAD exomes below 0.00001; TOPMed 0.00001.
gnomAD v4.1: 1 of 1,606,214 alleles (0.000062%); highest among the groups gnomAD compares: African/African-American, 0.0013%; no homozygotes.

Submission:

Labcorp Genetics (formerly Invitae), Labcorp
Classification: Uncertain significance for Vici syndrome. Last evaluated: 2021-08-14. Review status: criteria provided, single submitter. Criteria: Invitae Variant Classification Sherloc (09022015). Collection method: clinical testing. Allele origin: germline.
Comment: This sequence change replaces methionine with threonine at codon 333 of the EPG5 protein (p.Met333Thr). The methionine residue is moderately conserved and there is a moderate physicochemical difference between methionine and threonine. This variant is not present in population databases (ExAC no frequency). This variant has not been reported in the literature in individuals affected with EPG5-related conditions. Algorithms developed to predict the effect of missense changes on protein structure and function (SIFT, PolyPhen-2, Align-GVGD) all suggest that this variant is likely to be tolerated. In summary, the available evidence is currently insufficient to determine the role of this variant in disease. Therefore, it has been classified as a Variant of Uncertain Significance.

NM_020964.3(EPG5):c.998T>C (p.Met333Thr)

Gene: EPG5 (ectopic P-granules 5 autophagy tethering factor; minus strand). Cytogenetic location: 18q21.1.
Variant type: single nucleotide variant.
Coding change: c.998T>C on transcript NM_020964.3 (MANE Select); coding-DNA position 998, T replaced by C.
Protein change: p.Met333Thr; replaces methionine 333 with threonine.
Molecular consequence: missense variant.
Genome position (GRCh38, 1-based): chr18:45,954,404, A>G on the plus strand (T>C on the coding strand, the complement: EPG5 is on the minus strand). VCF-style: chr18-45954404-A-G. GRCh37 (hg19) VCF-style: chr18-43534370-A-G.
Other names: short protein forms M333T.
Identifiers: ClinVar variation 1431326 (VCV001431326.6), dbSNP rs1052199553, ClinGen allele CA299791920.
Genomic context (GRCh38, chr18:45,954,404, plus strand): 5'-CCAGGAATAGCAGCTCCGCTGCAAATTCCCCAGGCTTCTGATCAAAATACCTGTACAGAC[A>G]TTTGTTCCTCCTTAAACTGCCACAGCCGACTTTTAGCATTTTGGCAATCAGATGTCAGAG-3'
Protein context (NP_066015.2, residues 323-343): SRLWQFKEEQ[Met333Thr]SVQGICADQV